The following is an entry in ClinVar:

ClinVar aggregate classification (germline): Uncertain significance (1 of 4 stars; one submission).

Conditions:
DPAGT1-congenital disorder of glycosylation. Also called: CONGENITAL DISORDER OF GLYCOSYLATION, TYPE Ij; DPAGT1-CDG; CDG Ij. Identifiers: Orphanet 86309, MedGen C2931004, MONDO:0011964, OMIM 608093.
Congenital myasthenic syndrome 13 (CMS13). Also called: Myasthenic syndrome, congenital, 13, with tubular aggregates; Myasthenic syndrome, congenital, with tubular aggregates 2. Identifiers: Orphanet 353327, Orphanet 590, MedGen C3553645, MONDO:0013883, OMIM 614750.

Allele frequency attached by ClinVar (database versions not stated): gnomAD exomes below 0.00001; ExAC 0.00001; ESP Exome Variant Server 0.00008.
gnomAD v4.1: 6 of 1,614,208 alleles (0.00037%); highest among the groups gnomAD compares: Non-Finnish European, 0.00051%; no homozygotes.

Submission:

Labcorp Genetics (formerly Invitae), Labcorp
Classification: Uncertain significance for Congenital myasthenic syndrome 13; DPAGT1-congenital disorder of glycosylation. Last evaluated: 2022-07-19. Review status: criteria provided, single submitter. Criteria: Invitae Variant Classification Sherloc (09022015). Collection method: clinical testing. Allele origin: germline.
Comment: In summary, the available evidence is currently insufficient to determine the role of this variant in disease. Therefore, it has been classified as a Variant of Uncertain Significance. Algorithms developed to predict the effect of sequence changes on RNA splicing suggest that this variant may create or strengthen a splice site. Algorithms developed to predict the effect of missense changes on protein structure and function (SIFT, PolyPhen-2, Align-GVGD) all suggest that this variant is likely to be tolerated. ClinVar contains an entry for this variant (Variation ID: 1475076). This variant has not been reported in the literature in individuals affected with DPAGT1-related conditions. This variant is not present in population databases (gnomAD no frequency). This sequence change replaces asparagine, which is neutral and polar, with serine, which is neutral and polar, at codon 14 of the DPAGT1 protein (p.Asn14Ser).

NM_001382.4(DPAGT1):c.41A>G (p.Asn14Ser)

Genes: DPAGT1 (dolichyl-phosphate N-acetylglucosaminephosphotransferase 1; minus strand), LOC126861360 (BRD4-independent group 4 enhancer GRCh37_chr11:118972216-118973415; plus strand). Cytogenetic location: 11q23.3.
Variant type: single nucleotide variant.
Coding change: c.41A>G on transcript NM_001382.4 (MANE Select); coding-DNA position 41, A replaced by G.
Protein change: p.Asn14Ser; replaces asparagine 14 with serine.
Molecular consequence: missense variant.
Genome position (GRCh38, 1-based): chr11:119,101,615, T>C on the plus strand (A>G on the coding strand, the complement: DPAGT1 is on the minus strand). VCF-style: chr11-119101615-T-C. GRCh37 (hg19) VCF-style: chr11-118972325-T-C.
Other names: short protein forms N14S.
Identifiers: ClinVar variation 1475076 (VCV001475076.8), dbSNP rs373044813, ClinGen allele CA6314734.